The following is an entry in ClinVar:

ClinVar aggregate classification (germline): Uncertain significance (1 of 4 stars; one submission).

Allele frequency attached by ClinVar (database versions not stated): gnomAD 0.00003 and 0.00004; 1000 Genomes Project 30x 0.00031; 1000 Genomes Project 0.00040; TOPMed 0.00008.

Submission:

Labcorp Genetics (formerly Invitae), Labcorp
Classification: Uncertain significance. Last evaluated: 2022-11-08. Review status: criteria provided, single submitter. Criteria: Invitae Variant Classification Sherloc (09022015). Collection method: clinical testing. Allele origin: germline.
Comment: This sequence change replaces arginine, which is basic and polar, with glutamine, which is neutral and polar, at codon 457 of the FOXA2 protein (p.Arg457Gln). In summary, the available evidence is currently insufficient to determine the role of this variant in disease. Therefore, it has been classified as a Variant of Uncertain Significance. Algorithms developed to predict the effect of missense changes on protein structure and function are either unavailable or do not agree on the potential impact of this missense change (SIFT: "Deleterious"; PolyPhen-2: "Probably Damaging"; Align-GVGD: "Class C0"). ClinVar contains an entry for this variant (Variation ID: 1492754). This variant has not been reported in the literature in individuals affected with FOXA2-related conditions. This variant is present in population databases (rs534577829, gnomAD 0.009%).

NM_021784.5(FOXA2):c.1370G>A (p.Arg457Gln)

Gene: FOXA2 (forkhead box A2; minus strand). Cytogenetic location: 20p11.21.
Variant type: single nucleotide variant.
Coding change: c.1370G>A on transcript NM_021784.5 (MANE Select); coding-DNA position 1370, G replaced by A.
Protein change: p.Arg457Gln; replaces arginine 457 with glutamine.
Molecular consequence: missense variant.
Genome position (GRCh38, 1-based): chr20:22,581,872, C>T on the plus strand (G>A on the coding strand, the complement: FOXA2 is on the minus strand). VCF-style: chr20-22581872-C-T. GRCh37 (hg19) VCF-style: chr20-22562510-C-T.
Other names: c.1352G>A, p.Arg451Gln (NM_153675.3); short protein forms R451Q, R457Q.
Identifiers: ClinVar variation 1492754 (VCV001492754.6), dbSNP rs534577829, ClinGen allele CA9786857.